The following is an entry in ClinVar:

ClinVar aggregate classification (germline): Uncertain significance. Review status: criteria provided, multiple submitters, no conflicts (2 of 4 stars). 2 submissions from 2 submitters: Uncertain significance (2). Last evaluated 2023-12-11.

Conditions:
Joubert syndrome 21 (JBTS21). Identifiers: MedGen C3810212, MONDO:0014288, OMIM 615636.

Submissions (2):

Labcorp Genetics (formerly Invitae), Labcorp
Classification: Uncertain significance for Joubert syndrome 21. Last evaluated: 2023-12-11. Review status: criteria provided, single submitter. Criteria: Invitae Variant Classification Sherloc (09022015). Collection method: clinical testing. Allele origin: germline.
Comment: This variant, c.3380_3382del, results in the deletion of 1 amino acid(s) of the CSPP1 protein (p.Val1127del), but otherwise preserves the integrity of the reading frame. This variant is present in population databases (rs749558548, gnomAD 0.06%), including at least one homozygous and/or hemizygous individual. This variant has not been reported in the literature in individuals affected with CSPP1-related conditions. ClinVar contains an entry for this variant (Variation ID: 426386). Experimental studies and prediction algorithms are not available or were not evaluated, and the functional significance of this variant is currently unknown. In summary, the available evidence is currently insufficient to determine the role of this variant in disease. Therefore, it has been classified as a Variant of Uncertain Significance.

GeneDx
Classification: Uncertain significance. Last evaluated: 2022-11-21. Review status: criteria provided, single submitter. Criteria: GeneDx Variant Classification Process June 2021. Collection method: clinical testing. Allele origin: germline. Affected: yes.
Comment: In-frame deletion of 1 amino acid in a non-repeat region; In silico analysis supports a deleterious effect on protein structure/function; Has not been previously published as pathogenic or benign to our knowledge

NM_001382391.1(CSPP1):c.3395_3397del (p.Val1132del)

Genes: ARFGEF1 (ARF guanine nucleotide exchange factor 1; minus strand), CSPP1 (centrosome and spindle pole associated protein 1; plus strand). Cytogenetic location: 8q13.2.
Variant type: Deletion.
Coding change: c.3395_3397del on transcript NM_001382391.1 (MANE Select); coding-DNA positions 3395 to 3397, 3 bases deleted (TTG; older notation c.3395_3397delTTG).
Protein change: p.Val1132del; deletes valine 1132.
Molecular consequence: inframe deletion. On other transcripts: intron variant (3).
Genome position (GRCh38, 1-based): chr8:67,193,528-67,193,530, TTG deleted; deleting any 3 consecutive bases within chr8:67,193,526-67,193,530 gives the same sequence; the c. name uses the placement nearest the transcript's 3' end. VCF-style (leftmost placement, unchanged base first): chr8-67193525-ATGT-A. GRCh37 (hg19) VCF-style: chr8-68105760-ATGT-A.
Other names: c.3380_3382delTTG (NM_024790.6); c.2345_2347del, p.Val782del (NM_001291339.2); c.3314_3316del, p.Val1105del (NM_001363131.2); c.3200_3202del, p.Val1067del (NM_001363132.2); c.3119_3121del, p.Val1040del (NM_001363133.2); c.3461_3463del, p.Val1154del (NM_001364869.1); c.3281_3283del, p.Val1094del (NM_001364870.1); c.3227_3229del, p.Val1076del (NM_001438330.1); and 5 more; short protein forms V1127del, V782del, V1040del, V1094del, V1105del, V1067del, V1154del, V1132del.
Identifiers: ClinVar variation 426386 (VCV000426386.8), dbSNP rs749558548, ClinGen allele CA4771158.